The following is an entry in ClinVar:

NM_000152.5(GAA):c.569G>T (p.Arg190Leu)

Gene: GAA (alpha glucosidase; plus strand). Cytogenetic location: 17q25.3.
Variant type: single nucleotide variant.
Coding change: c.569G>T on transcript NM_000152.5 (MANE Select); coding-DNA position 569, G replaced by T.
Protein change: p.Arg190Leu; replaces arginine 190 with leucine.
Molecular consequence: missense variant.
Genome position (GRCh38, 1-based): chr17:80,105,771, G>T. VCF-style: chr17-80105771-G-T. GRCh37 (hg19) VCF-style: chr17-78079570-G-T.
Other names: c.569G>T, p.Arg190Leu (NM_001079803.3, NM_001079804.3); c.569G>T (NM_000152.3); short protein forms R190L.
Identifiers: ClinVar variation 1013770 (VCV001013770.17), dbSNP rs528367092, ClinGen allele CA8814930.
Genomic context (GRCh38, chr17:80,105,771, plus strand): 5'-GGCTGTGGGGAACATCAATAAACCCCCATCTCTTCTAGATCAAAGATCCAGCTAACAGGC[G>T]CTACGAGGTGCCCTTGGAGACCCCGCATGTCCACAGCCGGGCACCGTCCCCACTCTACAG-3'
Protein context (NP_000143.2, residues 180-200): HFTIKDPANR[Arg190Leu]YEVPLETPHV

ClinVar aggregate classification (germline): Conflicting classifications of pathogenicity. Review status: criteria provided, conflicting classifications (1 of 4 stars). 6 submissions from 6 submitters: Likely pathogenic (2); Uncertain significance (3). 1 of the submissions does not count toward it. Last evaluated 2026-07-01.

Conditions:
Glycogen storage disease, type II (IOPD). Also called: Glycogen storage disease type 2; Acid maltase deficiency disease; Aglucosidase alfa; Deficiency of alpha-glucosidase; Deficiency of lysosomal alpha-glucosidase; Glucosidase acid-1,4-alpha deficiency. Identifiers: Orphanet 365, MedGen C0017921, MONDO:0009290, OMIM 232300.

gnomAD v4.1: 5 of 1,612,164 alleles (0.00031%); highest among the groups gnomAD compares: African/African-American, 0.004%; no homozygotes.

Submissions (6):

Genomenon, Inc
Classification: Uncertain significance for Glycogen storage disease, type II. Last evaluated: 2026-07-01. Review status: criteria provided, single submitter. Criteria: Genomenon Sequence Variant Interpretation Standards - Updated. Collection method: curation. Allele origin: germline. Affected: no.
Comment: GAA p.Arg190Leu (c.569G>T) is a missense variant that changes the amino acid at codon 190 from Arginine to Leucine. This variant has been reported in the published literature (PMID:37414610). The presence of pathogenic/likely pathogenic missense variant(s) at the same amino acid position indicates that this residue is likely important for protein function. It is absent or not present at a significant frequency in gnomAD. In silico models predict that this variant is possibly or probably damaging. In conclusion, we classify GAA p.Arg190Leu (c.569G>T) as a variant of uncertain significance.

GeneDx
Classification: Uncertain significance. Last evaluated: 2026-06-23. Review status: criteria provided, single submitter. Criteria: GeneDx Variant Classification Process June 2021. Collection method: clinical testing. Allele origin: germline.
Comment: Identified in an individual with low GAA on newborn screening; this individual was also heterozygous for pseudodeficiency variants (PMID: 37414610); Not observed at significant frequency in large population cohorts (gnomAD); In silico analysis supports that this missense variant has a deleterious effect on protein structure/function; This variant is associated with the following publications: (PMID: 19343043, 22253258, 37414610, 23000108, 24444888, 22644586)

Labcorp Genetics (formerly Invitae), Labcorp
Classification: Likely pathogenic for Glycogen storage disease, type II. Last evaluated: 2025-04-08. Review status: criteria provided, single submitter. Criteria: Invitae Variant Classification Sherloc (09022015). Collection method: clinical testing. Allele origin: germline.
Comment: This sequence change replaces arginine, which is basic and polar, with leucine, which is neutral and non-polar, at codon 190 of the GAA protein (p.Arg190Leu). The frequency data for this variant in the population databases is considered unreliable, as metrics indicate poor data quality at this position in the gnomAD database. This missense change has been observed in individual(s) with Pompe disease (internal data). In at least one individual the data is consistent with being in trans (on the opposite chromosome) from a pathogenic variant. ClinVar contains an entry for this variant (Variation ID: 1013770). Invitae Evidence Modeling of protein sequence and biophysical properties (such as structural, functional, and spatial information, amino acid conservation, physicochemical variation, residue mobility, and thermodynamic stability) indicates that this missense variant is expected to disrupt GAA protein function with a positive predictive value of 95%. This variant disrupts the p.Arg190 amino acid residue in GAA. Other variant(s) that disrupt this residue have been determined to be pathogenic (PMID: 21484825, 23000108, 24444888, 29149851). This suggests that this residue is clinically significant, and that variants that disrupt this residue are likely to be disease-causing. In summary, the currently available evidence indicates that the variant is pathogenic, but additional data are needed to prove that conclusively. Therefore, this variant has been classified as Likely Pathogenic.

Revvity Omics, Revvity
Classification: Uncertain significance. Last evaluated: 2025-02-18. Review status: criteria provided, single submitter. Criteria: ACMG Guidelines, 2015. Collection method: clinical testing. Allele origin: germline.

Fulgent Genetics
Classification: Likely pathogenic for Glycogen storage disease, type II. Last evaluated: 2024-06-23. Review status: criteria provided, single submitter. Criteria: ACMG Guidelines, 2015. Collection method: clinical testing. Allele origin: germline.

Natera, Inc.
Classification: Uncertain significance for Glycogen storage disease type II. Last evaluated: 2021-06-23. Review status: no assertion criteria provided. Collection method: clinical testing. Allele origin: germline. Not counted in ClinVar's aggregate classification.

Literature cited by the submitters: PubMed 37414610 (cited by Genomenon, Inc); PubMed 21484825 (cited by Labcorp Genetics (formerly Invitae), Labcorp); PubMed 23000108 (cited by Labcorp Genetics (formerly Invitae), Labcorp); PubMed 24444888 (cited by Labcorp Genetics (formerly Invitae), Labcorp); PubMed 29149851 (cited by Labcorp Genetics (formerly Invitae), Labcorp).